The following is an entry in ClinVar:

NM_005220.3(DLX3):c.*679C>T

Gene: DLX3 (distal-less homeobox 3; minus strand). Cytogenetic location: 17q21.33.
Variant type: single nucleotide variant.
Coding change: c.*679C>T on transcript NM_005220.3 (MANE Select); 679 bases downstream of the stop codon, C replaced by T.
Molecular consequence: 3 prime UTR variant.
Genome position (GRCh38, 1-based): chr17:49,990,838, G>A on the plus strand (C>T on the coding strand, the complement: DLX3 is on the minus strand). VCF-style: chr17-49990838-G-A. GRCh37 (hg19) VCF-style: chr17-48068202-G-A.
Identifiers: ClinVar variation 890606 (VCV000890606.4), dbSNP rs77798106, ClinGen allele CA291505129.

ClinVar aggregate classification (germline): Benign (1 of 4 stars; one submission).

Conditions:
Hypomaturation-hypoplastic amelogenesis imperfecta with taurodontism. Also called: Amelogenesis imperfecta, type IV. Identifiers: Orphanet 100034, Orphanet 88661, MedGen C1863012, MONDO:0007093, OMIM 104510. Disease mechanism: loss of function.

Allele frequency attached by ClinVar (database versions not stated): 1000 Genomes Project 0.01797; gnomAD 0.01827 and 0.01945; gnomAD exomes 0.02232; TOPMed 0.01585; 1000 Genomes Project 30x 0.01796.

Submission:

Illumina Laboratory Services, Illumina
Classification: Benign for Hypomaturation-hypoplastic amelogenesis imperfecta with taurodontism. Last evaluated: 2018-01-13. Review status: criteria provided, single submitter. Criteria: ICSL Variant Classification Criteria 13 December 2019. Collection method: clinical testing. Allele origin: germline.
Comment: This variant was observed in the ICSL laboratory as part of a predisposition screen in an ostensibly healthy population. It had not been previously curated by ICSL or reported in the Human Gene Mutation Database (HGMD: prior to June 1st, 2018), and was therefore a candidate for classification through an automated scoring system. Utilizing variant allele frequency, disease prevalence and penetrance estimates, and inheritance mode, an automated score was calculated to assess if this variant is too frequent to cause the disease. Based on the score and internal cut-off values, a variant classified as benign is not then subjected to further curation. The score for this variant resulted in a classification of benign for this disease.